The following is an entry in ClinVar:

ClinVar aggregate classification (germline): Uncertain significance. Review status: criteria provided, single submitter (1 of 4 stars). 3 submissions from 3 submitters: Uncertain significance (1). 2 of the submissions do not count toward it. Last evaluated 2026-05-13.

Conditions:
Polycystic kidney disease. Also called: Polycystic kidney dysplasia; Kidney, Polycystic. Identifiers: MedGen C0022680, MeSH D007690, MONDO:0020642, HP:0000113.
PKD1-related disorder. Also called: PKD1-related condition.

Allele frequency attached by ClinVar (database versions not stated): 1000 Genomes Project 30x 0.00016; 1000 Genomes Project 0.00020; ESP Exome Variant Server 0.00024; gnomAD 0.00034 and 0.00036; gnomAD exomes 0.00036 and 0.00046; TOPMed 0.00039; ExAC 0.00049.
gnomAD v4.1: 714 of 1,602,904 alleles (0.045%); highest among the groups gnomAD compares: Admixed American, 0.069%; 1 homozygote.

Submissions (3):

Women's Health and Genetics/Laboratory Corporation of America, LabCorp
Classification: Uncertain significance. Last evaluated: 2026-05-13. Review status: criteria provided, single submitter. Criteria: LabCorp Variant Classification Summary - May 2015. Collection method: clinical testing. Allele origin: germline.
Comment: Variant summary: PKD1 c.871G>T (p.Ala291Ser) results in a conservative amino acid change in the encoded protein sequence. Algorithms developed to predict the effect of missense changes on protein structure and function all suggest that this variant is likely to be tolerated. The variant allele was found at a frequency of 0.00036 in 220366 control chromosomes in the gnomAD database, including 1 homozygote. This frequency is not significantly higher than estimated for disease-causing variants in PKD1, allowing no conclusion about variant significance. To our knowledge, no occurrence of c.871G>T in individuals affected with PKD1-related conditions and no experimental evidence demonstrating its impact on protein function have been reported. ClinVar contains an entry for this variant (Variation ID: 997129). Based on the evidence outlined above, the variant was classified as uncertain significance.

PreventionGenetics, part of Exact Sciences
Classification: Likely benign for PKD1-related condition. Last evaluated: 2022-06-08. Review status: no assertion criteria provided. Collection method: clinical testing. Allele origin: germline. Not counted in ClinVar's aggregate classification.
Comment: This variant is classified as likely benign based on ACMG/AMP sequence variant interpretation guidelines (Richards et al. 2015 PMID: 25741868, with internal and published modifications).

Department of Pathology and Laboratory Medicine, Sinai Health System
Classification: Likely benign for Polycystic Kidney disease. Review status: no assertion criteria provided. Collection method: clinical testing. Allele origin: unknown. Affected: yes. Study: The Canadian Open Genetics Repository (COGR). Not counted in ClinVar's aggregate classification.
Comment: The PKD1 p.Ala291Ser variant was not identified in the literature nor was it identified in the ClinVar, LOVD 3.0 or PKD1-LOVD databases. The variant was identified in dbSNP (ID: rs199693673) as "NA" and in the ADPKD Mutation Database (as Likely Neutral). It was also identified in control databases in 91 of 248480 chromosomes (1 homozygous) at a frequency of 0.0004 (Genome Aggregation Database Feb 27, 2017). The variant was observed in the following populations: Latino in 23 of 32776 chromosomes (freq: 0.0007, increasing the likelihood this could be a low frequency benign variant), African in 5 of 21168 chromosomes (freq: 0.0002), Other in 1 of 5926 chromosomes (freq: 0.0002), European in 60 of 111170 chromosomes (freq: 0.0005), Finnish in 2 of 21182 chromosomes (freq: 0.00009), while it was not observed in the Ashkenazi Jewish, East Asian, or South Asian populations. In addition, we cannot be certain that data from control databases is specific to PKD1 and not from one of the six PKD1 pseudogenes. The p.Ala291 residue is conserved in in mammals but not in more distantly related organisms however computational analyses (PolyPhen-2, SIFT, AlignGVGD, BLOSUM, MutationTaster) do not suggest a high likelihood of impact to the protein; this information is not predictive enough to rule out pathogenicity. The variant occurs outside of the splicing consensus sequence and in silico or computational prediction software programs (SpliceSiteFinder, MaxEntScan, NNSPLICE, GeneSplicer) do not predict a difference in splicing. In summary, based on the above information, the clinical significance of this variant cannot be determined with certainty at this time although we would lean towards a more benign role for this variant. This variant is classified as likely benign.

NM_001009944.3(PKD1):c.871G>T (p.Ala291Ser)

Gene: PKD1 (polycystin 1, transient receptor potential channel interacting; minus strand). Cytogenetic location: 16p13.3.
Variant type: single nucleotide variant.
Coding change: c.871G>T on transcript NM_001009944.3 (MANE Select); coding-DNA position 871, G replaced by T.
Protein change: p.Ala291Ser; replaces alanine 291 with serine.
Molecular consequence: missense variant.
Genome position (GRCh38, 1-based): chr16:2,118,121, C>A on the plus strand (G>T on the coding strand, the complement: PKD1 is on the minus strand). VCF-style: chr16-2118121-C-A. GRCh37 (hg19) VCF-style: chr16-2168122-C-A.
Other names: c.871G>T (NM_001009944.2); c.871G>T, p.Ala291Ser (NM_000296.4); short protein forms A291S.
Identifiers: ClinVar variation 997129 (VCV000997129.4), dbSNP rs199693673, ClinGen allele CA7833649.
Genomic context (GRCh38, chr16:2,118,121, plus strand): 5'-AGCCGTCTCCGAAGTCCCAGCGTGTGGCAGTGACAGGGAGCGGGGCAGCGATGTGGAAGG[C>A]TGCTAGCTGGCCAGAGGCCAGAGGTCCGTGGGGCCCCACCAGGGTGGCCCCTGGGGAGGC-3'
Protein context (NP_001009944.3, residues 281-301): HGPLASGQLA[Ala291Ser]FHIAAPLPVT